The following is an entry in ClinVar:

NM_001370259.2(MEN1):c.1174del (p.Glu392fs)

Gene: MEN1 (menin 1; minus strand). Cytogenetic location: 11q13.1.
Variant type: Deletion.
Coding change: c.1174del on transcript NM_001370259.2 (MANE Select); coding-DNA position 1174, one base deleted (G; older notation c.1174delG).
Protein change: p.Glu392fs; shifts the reading frame from glutamic acid 392.
Molecular consequence: frameshift variant.
Genome position (GRCh38, 1-based): chr11:64,805,646, C deleted on the plus strand (G on the coding strand, the reverse complement: MEN1 is on the minus strand); the first of 5 consecutive C bases (chr11:64,805,646-64,805,650); deleting any one gives the same sequence. VCF-style (leftmost placement, unchanged base first): chr11-64805645-TC-T. GRCh37 (hg19) VCF-style: chr11-64573117-TC-T.
Other names: c.1174delG (NM_130799.2); c.1189del, p.Glu397fs (NM_000244.4, NM_130800.3, NM_130801.3 and 3 more transcripts); c.1300del, p.Glu434fs (NM_001370251.2); c.1174del, p.Glu392fs (NM_001370260.2, NM_001370261.2, NM_130799.3); c.1069del, p.Glu357fs (NM_001370262.2, NM_001370263.2); short protein forms E397fs, E357fs, E392fs, E434fs.
Identifiers: ClinVar variation 265238 (VCV000265238.15), dbSNP rs386134247, ClinGen allele CA10588530.

ClinVar aggregate classification (germline): Pathogenic/Likely pathogenic. Review status: criteria provided, multiple submitters, no conflicts (2 of 4 stars). 5 submissions from 5 submitters: Pathogenic (4); Likely pathogenic (1). Last evaluated 2025-05-12.

Conditions:
Hereditary cancer-predisposing syndrome. Also called: Tumor predisposition; Neoplastic Syndromes, Hereditary; Hereditary neoplastic syndrome; Hereditary Cancer Syndrome. Identifiers: Orphanet 140162, MedGen C0027672, MeSH D009386, MONDO:0015356.
Multiple endocrine neoplasia, type 1 (MEN1). Also called: MEN I; WERMER SYNDROME; Endocrine adenomatosis multiple; MEN 1; MEA I. Identifiers: Orphanet 652, MedGen C0025267, MeSH D018761, MONDO:0007540, OMIM 131100.

Submissions (5):

Ambry Genetics
Classification: Pathogenic for Hereditary cancer-predisposing syndrome. Last evaluated: 2025-05-12. Review status: criteria provided, single submitter. Criteria: Ambry Variant Classification Scheme 2023. Collection method: clinical testing. Allele origin: germline.
Comment: The c.1174delG pathogenic mutation, located in coding exon 7 of the MEN1 gene, results from a deletion of one nucleotide at nucleotide position 1174, causing a translational frameshift with a predicted alternate stop codon (p.E392Sfs*53). This alteration occurs at the 3' terminus of theMEN1 gene, is not expected to trigger nonsense-mediated mRNA decay, and impacts the last 35.8% of the protein. However, premature stop codons are typically deleterious in nature and the impacted region is critical for protein function and a significant portion of the protein is affected (Ambry internal data). This variant was reported in individual(s) with features consistent with MEN1 (Ambry internal data). This variant is considered to be rare based on population cohorts in the Genome Aggregation Database (gnomAD). Based on the supporting evidence, this variant is interpreted as a disease-causing mutation.

Laboratory of Molecular and Cytogenetics, Department of Anatomy, All India Institute of Medical Sciences (AIIMS)
Classification: Pathogenic for Multiple endocrine neoplasia, type 1. Last evaluated: 2023-05-10. Review status: criteria provided, single submitter. Criteria: ACMG Guidelines, 2015. Collection method: clinical testing. Allele origin: germline. Affected: yes.

Labcorp Genetics (formerly Invitae), Labcorp
Classification: Pathogenic for Multiple endocrine neoplasia, type 1. Last evaluated: 2019-10-24. Review status: criteria provided, single submitter. Criteria: Invitae Variant Classification Sherloc (09022015). Collection method: clinical testing. Allele origin: germline.
Comment: This variant is not present in population databases (ExAC no frequency). This sequence change results in a premature translational stop signal in the MEN1 gene (p.Glu392Serfs*53). While this is not anticipated to result in nonsense mediated decay, it is expected to disrupt the last 219 amino acids of the MEN1 protein. This variant has been observed in individual(s) with multiple endocrine neoplasia type 1 (PMID: 9215689). This variant is also known as 1280delG in the literature. ClinVar contains an entry for this variant (Variation ID: 265238). This variant disrupts the C-terminus of the MEN1 protein. Other variant(s) that disrupt this region (p.Lys559Glufs*38) have been determined to be pathogenic (PMID: 10090472, Invitae). This suggests that variants that disrupt this region of the protein are likely to be causative of disease. For these reasons, this variant has been classified as Pathogenic.

Department of Laboratory Medicine, Soonchunhyang University Seoul Hospital
Classification: Pathogenic for Multiple endocrine neoplasia, type 1. Last evaluated: 2018-01-23. Review status: criteria provided, single submitter. Criteria: ACMG Guidelines, 2015. Collection method: clinical testing. Allele origin: germline. Inheritance: Autosomal dominant inheritance. Affected: yes. Observed: 1 heterozygote.

GeneDx
Classification: Likely pathogenic. Last evaluated: 2017-03-30. Review status: criteria provided, single submitter. Criteria: GeneDx Variant Classification (06012015). Collection method: clinical testing. Allele origin: germline. Affected: yes.
Comment: The c.1174delG variant has been reported previously (as 1280delG) in association with multiple endocrine neoplasia type 1 (Agarwal et al., 1997). The c.1174delG variant causes a frameshift starting with codon Glutamic acid 392, changes this amino acid to a Serine residue and creates a premature Stop codon at position 53 of the new reading frame, denoted p.Glu392SerfsX53. This variant is predicted to cause loss of normal protein function either through protein truncation or nonsense-mediated mRNA decay. The c.1174delG variant was not observed in approximately 6,500 individuals of European and African American ancestry in the NHLBI Exome Sequencing Project, indicating it is not a common benign variant in these populations. Based on currently available evidence, c.1174delG is a strong candidate for a pathogenic variant. However, the possibility it is a rare benign variant cannot be excluded.

Literature cited by the submitters: PubMed 9215689 (cited by Labcorp Genetics (formerly Invitae), Labcorp and Department of Laboratory Medicine, Soonchunhyang University Seoul Hospital); PubMed 10090472 (cited by Labcorp Genetics (formerly Invitae), Labcorp).